The following is an entry in ClinVar:

ClinVar aggregate classification (germline): Uncertain significance (1 of 4 stars; one submission).

Conditions:
Atrial fibrillation, familial, 18 (ATFB18). Identifiers: MedGen C4310636, MONDO:0015001, OMIM 617280.

Submission:

Labcorp Genetics (formerly Invitae), Labcorp
Classification: Uncertain significance for Atrial fibrillation, familial, 18. Last evaluated: 2025-11-20. Review status: criteria provided, single submitter. Criteria: Invitae Variant Classification Sherloc (09022015). Collection method: clinical testing. Allele origin: germline.
Comment: This sequence change replaces isoleucine, which is neutral and non-polar, with asparagine, which is neutral and polar, at codon 123 of the MYL4 protein (p.Ile123Asn). This variant is not present in population databases (gnomAD no frequency). This variant has not been reported in the literature in individuals affected with MYL4-related conditions. An algorithm developed to predict the effect of missense changes on protein structure and function (PolyPhen-2) suggests that this variant is likely to be disruptive. In summary, the available evidence is currently insufficient to determine the role of this variant in disease. Therefore, it has been classified as a Variant of Uncertain Significance.

NM_002476.2(MYL4):c.368T>A (p.Ile123Asn)

Gene: MYL4 (myosin light chain 4; plus strand). Cytogenetic location: 17q21.32.
Variant type: single nucleotide variant.
Coding change: c.368T>A on transcript NM_002476.2 (MANE Select); coding-DNA position 368, T replaced by A.
Protein change: p.Ile123Asn; replaces isoleucine 123 with asparagine.
Molecular consequence: missense variant.
Genome position (GRCh38, 1-based): chr17:47,221,736, T>A. VCF-style: chr17-47221736-T-A. GRCh37 (hg19) VCF-style: chr17-45299102-T-A.
Other names: c.368T>A, p.Ile123Asn (NM_001002841.2); short protein forms I123N.
Identifiers: ClinVar variation 4731604 (VCV004731604.1).